The following is an entry in ClinVar:

ClinVar aggregate classification (germline): Likely pathogenic. Review status: criteria provided, multiple submitters, no conflicts (2 of 4 stars). 2 submissions from 2 submitters: Likely pathogenic (2). Last evaluated 2025-06-01.

Conditions:
Cardiovascular phenotype. Identifiers: MedGen CN230736.

Submissions (2):

CeGaT Center for Human Genetics Tuebingen
Classification: Likely pathogenic. Last evaluated: 2025-06-01. Review status: criteria provided, single submitter. Criteria: CeGaT Center For Human Genetics Tuebingen Variant Classification Criteria Version 2. Collection method: clinical testing. Allele origin: germline. Affected: yes. Observed: 1 variant allele.
Comment: LDLRAP1: PVS1:Strong, PM2, PM3:Supporting

Ambry Genetics
Classification: Likely pathogenic for Cardiovascular phenotype. Last evaluated: 2016-11-02. Review status: criteria provided, single submitter. Criteria: Ambry Variant Classification Scheme 2023. Collection method: clinical testing. Allele origin: germline.
Comment: The c.748-608G>A intronic variant results from a G to A substitution 608 nucleotides upstream from coding exon 8 in the LDLRAP1 gene. RNA study revealed inclusion of a portion of intron 7 that resulted in a 195bp insertion that is predicted to lead to a truncated protein by introducing an ectopic stop codon (Garcia CK et al. Science, 2001 May;292:1394-8; Wilund KR et al. Hum. Mol. Genet., 2002 Nov;11:3019-30). This variant was not reported in population based cohorts in the following databases: Database of Single Nucleotide Polymorphisms (dbSNP), NHLBI Exome Sequencing Project (ESP), and 1000 Genomes Project. However, this position was not covered in the ESP. This nucleotide position is well conserved on limited sequence alignment. Using the BDGP and ESEfinder splice site prediction tools, this alteration is not predicted to have any significant effect on this splice acceptor/donor site; however, direct evidence is unavailable. Based on the majority of available evidence to date, this variant is likely to be pathogenic.

Literature cited by the submitters: PubMed 11326085 (cited by Ambry Genetics); PubMed 12417523 (cited by Ambry Genetics).

NM_015627.3(LDLRAP1):c.748-608G>A

Gene: LDLRAP1 (low density lipoprotein receptor adaptor protein 1; plus strand). Cytogenetic location: 1p36.11.
Variant type: single nucleotide variant.
Coding change: c.748-608G>A on transcript NM_015627.3 (MANE Select); 608 bases into the intron before coding-DNA position 748, G replaced by A.
Molecular consequence: intron variant.
Genome position (GRCh38, 1-based): chr1:25,564,565, G>A. VCF-style: chr1-25564565-G-A. GRCh37 (hg19) VCF-style: chr1-25891056-G-A.
Identifiers: ClinVar variation 1759118 (VCV001759118.10), dbSNP rs2524136302, ClinGen allele CA2580062593.